The following is an entry in ClinVar:

NM_004304.5(ALK):c.3068T>C (p.Val1023Ala)

Gene: ALK (ALK receptor tyrosine kinase; minus strand). Cytogenetic location: 2p23.2.
Variant type: single nucleotide variant.
Coding change: c.3068T>C on transcript NM_004304.5 (MANE Select); coding-DNA position 3068, T replaced by C.
Protein change: p.Val1023Ala; replaces valine 1023 with alanine.
Molecular consequence: missense variant.
Genome position (GRCh38, 1-based): chr2:29,225,565, A>G on the plus strand (T>C on the coding strand, the complement: ALK is on the minus strand). VCF-style: chr2-29225565-A-G. GRCh37 (hg19) VCF-style: chr2-29448431-A-G.
Other names: short protein forms V1023A.
Identifiers: ClinVar variation 4834656 (VCV004834656.1).

ClinVar aggregate classification (germline): Uncertain significance (1 of 4 stars; one submission).

Conditions:
Hereditary cancer-predisposing syndrome. Also called: Neoplastic Syndromes, Hereditary; Tumor predisposition; Hereditary Cancer Syndrome; Hereditary neoplastic syndrome. Identifiers: Orphanet 140162, MedGen C0027672, MeSH D009386, MONDO:0015356.

Submission:

Ambry Genetics
Classification: Uncertain significance for Hereditary cancer-predisposing syndrome. Last evaluated: 2026-02-03. Review status: criteria provided, single submitter. Criteria: Ambry Variant Classification Scheme 2023. Collection method: clinical testing. Allele origin: germline.
Comment: The p.V1023A variant (also known as c.3068T>C) is located in coding exon 19 of the ALK gene. The valine at codon 1023 is replaced by alanine, an amino acid with similar properties. This change occurs in the first base pair of coding exon 19. This amino acid position is highly conserved in available vertebrate species. In addition, this alteration is predicted to be tolerated by in silico analysis. Based on the available evidence, the clinical significance of this variant remains unclear.